The following is an entry in ClinVar:

ClinVar aggregate classification (germline): Uncertain significance. Review status: criteria provided, multiple submitters, no conflicts (2 of 4 stars). 2 submissions from 2 submitters: Uncertain significance (2). Last evaluated 2025-06-17.

Conditions:
Inborn genetic diseases. Identifiers: MedGen C0950123, MeSH D030342.

gnomAD v4.1: 28 of 1,611,386 alleles (0.0017%); highest among the groups gnomAD compares: South Asian, 0.0055%; no homozygotes.

Submissions (2):

Ambry Genetics
Classification: Uncertain significance for Inborn genetic diseases. Last evaluated: 2025-06-17. Review status: criteria provided, single submitter. Criteria: Ambry Variant Classification Scheme 2023. Collection method: clinical testing. Allele origin: germline.

Greenwood Genetic Center Diagnostic Laboratories, Greenwood Genetic Center
Classification: Uncertain significance. Last evaluated: 2025-02-07. Review status: criteria provided, single submitter. Criteria: ACMG Guidelines, 2015. Collection method: clinical testing. Allele origin: germline.
Comment: PM2

NM_201384.3(PLEC):c.1207A>G (p.Met403Val)

Gene: PLEC (plectin; minus strand). Cytogenetic location: 8q24.3.
Variant type: single nucleotide variant.
Coding change: c.1207A>G on transcript NM_201384.3 (MANE Select); coding-DNA position 1207, A replaced by G.
Protein change: p.Met403Val; replaces methionine 403 with valine.
Molecular consequence: missense variant.
Genome position (GRCh38, 1-based): chr8:143,934,054, T>C on the plus strand (A>G on the coding strand, the complement: PLEC is on the minus strand). VCF-style: chr8-143934054-T-C. GRCh37 (hg19) VCF-style: chr8-145008222-T-C.
Other names: c.1288A>G, p.Met430Val (NM_000445.5, NM_001410941.1); c.1165A>G, p.Met389Val (NM_201378.4); c.1141A>G, p.Met381Val (NM_201379.3); c.1618A>G, p.Met540Val (NM_201380.4); c.1111A>G, p.Met371Val (NM_201381.3); c.1207A>G, p.Met403Val (NM_201382.4); c.1219A>G, p.Met407Val (NM_201383.3); short protein forms M381V, M403V, M407V, M371V, M389V, M540V, M430V.
Identifiers: ClinVar variation 4138947 (VCV004138947.2).
Genomic context (GRCh38, chr8:143,934,054, plus strand): 5'-TCACCGACTGCAGCAGGGCGTCGGCCTGGTTCAGCTGCTCCTCACACAGCCCCGCCTCCA[T>C]CTGCAGCTTGGTCACGATGCGCTGAAGACACTCCAGCCTGCAGCAGCAGCACAGGGAAGG-3'
Protein context (NP_958786.1, residues 393-413): CLQRIVTKLQ[Met403Val]EAGLCEEQLN